The following is an entry in ClinVar:

ClinVar aggregate classification (germline): Benign (1 of 4 stars; one submission).

Allele frequency attached by ClinVar (database versions not stated): gnomAD 0.33019 and 0.34035; TOPMed 0.34438; 1000 Genomes Project 30x 0.45971; 1000 Genomes Project 0.46546.
gnomAD v4.1: 51,549 of 151,996 alleles (34%); highest among the groups gnomAD compares: East Asian, 69%; 9,449 homozygotes.

Submission:

GeneDx
Classification: Benign. Last evaluated: 2018-06-14. Review status: criteria provided, single submitter. Criteria: GeneDx Variant Classification (06012015). Collection method: clinical testing. Allele origin: germline. Affected: yes.
Comment: This variant is considered likely benign or benign based on one or more of the following criteria: it is a conservative change, it occurs at a poorly conserved position in the protein, it is predicted to be benign by multiple in silico algorithms, and/or has population frequency not consistent with disease.

NM_000282.4(PCCA):c.184-305T>C

Gene: PCCA (propionyl-CoA carboxylase subunit alpha; plus strand). Cytogenetic location: 13q32.3.
Variant type: single nucleotide variant.
Coding change: c.184-305T>C on transcript NM_000282.4 (MANE Select); 305 bases into the intron before coding-DNA position 184, T replaced by C.
Molecular consequence: intron variant.
Genome position (GRCh38, 1-based): chr13:100,111,536, T>C. VCF-style: chr13-100111536-T-C. GRCh37 (hg19) VCF-style: chr13-100763790-T-C.
Other names: c.184-305T>C (NM_001178004.2, NM_001352605.2, NM_001352606.2 and 1 more transcripts); c.-683-305T>C (NM_001352610.2, NM_001352611.2, NM_001352612.2); c.106-305T>C (NM_001127692.3, NM_001352607.2, NM_001352608.2).
Identifiers: ClinVar variation 683335 (VCV000683335.1), dbSNP rs4772265, ClinGen allele CA13851170.
Genomic context (GRCh38, chr13:100,111,536, plus strand): 5'-TAGTGTCTGAAATATCATTTGAAGATTTTCTTTTGGCTACAGAATATGTAGATACCCCCA[T>C]TGTGAATACATTAACCTACTATGCTTTAACAAAGTAATTATAGAACCCGATCATATCAGA-3'